The following is an entry in ClinVar:

ClinVar aggregate classification (germline): Conflicting classifications of pathogenicity. Review status: criteria provided, conflicting classifications (1 of 4 stars). 2 submissions from 2 submitters: Uncertain significance (1); Likely benign (1). Last evaluated 2025-07-30.

Conditions:
Fanconi anemia (FA). Also called: Fanconi's anemia. Identifiers: Orphanet 84, MedGen C0015625, MeSH D005199, MONDO:0019391.

Allele frequency attached by ClinVar (database versions not stated): gnomAD exomes 0.00001.
gnomAD v4.1: 7 of 1,199,486 alleles (0.00058%); highest among the groups gnomAD compares: Non-Finnish European, 0.00079%; no homozygotes.

Submissions (2):

Labcorp Genetics (formerly Invitae), Labcorp
Classification: Uncertain significance for Fanconi anemia. Last evaluated: 2025-07-30. Review status: criteria provided, single submitter. Criteria: Invitae Variant Classification Sherloc (09022015). Collection method: clinical testing. Allele origin: germline.
Comment: This sequence change replaces alanine, which is neutral and non-polar, with threonine, which is neutral and polar, at codon 440 of the FANCB protein (p.Ala440Thr). This variant is present in population databases (no rsID available, gnomAD 0.001%), including at least one homozygous and/or hemizygous individual. This variant has not been reported in the literature in individuals affected with FANCB-related conditions. ClinVar contains an entry for this variant (Variation ID: 1514010). Invitae Evidence Modeling of protein sequence and biophysical properties (such as structural, functional, and spatial information, amino acid conservation, physicochemical variation, residue mobility, and thermodynamic stability) indicates that this missense variant is not expected to disrupt FANCB protein function with a negative predictive value of 80%. In summary, the available evidence is currently insufficient to determine the role of this variant in disease. Therefore, it has been classified as a Variant of Uncertain Significance.

Blueprint Genetics
Classification: Likely benign. Last evaluated: 2024-03-21. Review status: criteria provided, single submitter. Criteria: ACMG Guidelines, 2015. Collection method: clinical testing. Allele origin: germline.

NM_001018113.3(FANCB):c.1318G>A (p.Ala440Thr)

Gene: FANCB (FA complementation group B; minus strand). Cytogenetic location: Xp22.2.
Variant type: single nucleotide variant.
Coding change: c.1318G>A on transcript NM_001018113.3 (MANE Select); coding-DNA position 1318, G replaced by A.
Protein change: p.Ala440Thr; replaces alanine 440 with threonine.
Molecular consequence: missense variant.
Genome position (GRCh38, 1-based): chrX:14,853,047, C>T on the plus strand (G>A on the coding strand, the complement: FANCB is on the minus strand). VCF-style: chrX-14853047-C-T. GRCh37 (hg19) VCF-style: chrX-14871169-C-T.
Other names: c.1318G>A, p.Ala440Thr (NM_001324162.2, NM_152633.4); short protein forms A440T.
Identifiers: ClinVar variation 1514010 (VCV001514010.5), dbSNP rs1313938907, ClinGen allele CA412442372.